The following is an entry in ClinVar:

NM_032043.3(BRIP1):c.1163A>T (p.Gln388Leu)

Gene: BRIP1 (BRCA1 interacting DNA helicase 1; minus strand). Cytogenetic location: 17q23.2.
Variant type: single nucleotide variant.
Coding change: c.1163A>T on transcript NM_032043.3 (MANE Select); coding-DNA position 1163, A replaced by T.
Protein change: p.Gln388Leu; replaces glutamine 388 with leucine.
Molecular consequence: missense variant.
Genome position (GRCh38, 1-based): chr17:61,799,277, T>A on the plus strand (A>T on the coding strand, the complement: BRIP1 is on the minus strand). VCF-style: chr17-61799277-T-A. GRCh37 (hg19) VCF-style: chr17-59876638-T-A.
Other names: short protein forms Q388L.
Identifiers: ClinVar variation 1737485 (VCV001737485.2), dbSNP rs2145309493, ClinGen allele CA400483783.

ClinVar aggregate classification (germline): Uncertain significance (1 of 4 stars; one submission).

Conditions:
Hereditary cancer-predisposing syndrome. Also called: Neoplastic Syndromes, Hereditary; Tumor predisposition; Hereditary Cancer Syndrome; Hereditary neoplastic syndrome. Identifiers: Orphanet 140162, MedGen C0027672, MeSH D009386, MONDO:0015356.

gnomAD v4.1: 1 of 1,612,944 alleles (0.000062%); no homozygotes.

Submission:

Ambry Genetics
Classification: Uncertain significance for Hereditary cancer-predisposing syndrome. Last evaluated: 2017-10-24. Review status: criteria provided, single submitter. Criteria: Ambry Variant Classification Scheme 2023. Collection method: clinical testing. Allele origin: germline.
Comment: The p.Q388L variant (also known as c.1163A>T), located in coding exon 8 of the BRIP1 gene, results from an A to T substitution at nucleotide position 1163. The glutamine at codon 388 is replaced by leucine, an amino acid with dissimilar properties. This amino acid position is well conserved in available vertebrate species. In addition, the in silico prediction for this alteration is inconclusive. Since supporting evidence is limited at this time, the clinical significance of this alteration remains unclear.